The following is an entry in ClinVar:

NM_007327.4(GRIN1):c.1319A>C (p.Asn440Thr)

Gene: GRIN1 (glutamate ionotropic receptor NMDA type subunit 1; plus strand). Cytogenetic location: 9q34.3.
Variant type: single nucleotide variant.
Coding change: c.1319A>C on transcript NM_007327.4 (MANE Select); coding-DNA position 1319, A replaced by C.
Protein change: p.Asn440Thr; replaces asparagine 440 with threonine.
Molecular consequence: missense variant.
Genome position (GRCh38, 1-based): chr9:137,161,177, A>C. VCF-style: chr9-137161177-A-C. GRCh37 (hg19) VCF-style: chr9-140055629-A-C.
Other names: c.1319A>C, p.Asn440Thr (NM_000832.7, NM_021569.4); c.1382A>C, p.Asn461Thr (NM_001185090.2, NM_001185091.2); short protein forms N461T, N440T.
Identifiers: ClinVar variation 2799314 (VCV002799314.3), dbSNP rs747962834, ClinGen allele CA5360889.

ClinVar aggregate classification (germline): Uncertain significance (1 of 4 stars; one submission).

Conditions:
Neurodevelopmental disorder with or without hyperkinetic movements and seizures, autosomal dominant. Also called: Intellectual disability, autosomal dominant 8. Identifiers: MedGen C3280282, MONDO:0013655, OMIM 614254.

Allele frequency attached by ClinVar (database versions not stated): gnomAD 0.00001; ExAC 0.00003.
gnomAD v4.1: 21 of 1,610,854 alleles (0.0013%); highest among the groups gnomAD compares: South Asian, 0.022%; 1 homozygote.

Submission:

Labcorp Genetics (formerly Invitae), Labcorp
Classification: Uncertain significance for Neurodevelopmental disorder with or without hyperkinetic movements and seizures, autosomal dominant. Last evaluated: 2023-10-03. Review status: criteria provided, single submitter. Criteria: Invitae Variant Classification Sherloc (09022015). Collection method: clinical testing. Allele origin: germline.
Comment: This sequence change replaces asparagine, which is neutral and polar, with threonine, which is neutral and polar, at codon 440 of the GRIN1 protein (p.Asn440Thr). This variant is present in population databases (rs747962834, gnomAD 0.02%). This variant has not been reported in the literature in individuals affected with GRIN1-related conditions. Advanced modeling of protein sequence and biophysical properties (such as structural, functional, and spatial information, amino acid conservation, physicochemical variation, residue mobility, and thermodynamic stability) has been performed at Invitae for this missense variant, however the output from this modeling did not meet the statistical confidence thresholds required to predict the impact of this variant on GRIN1 protein function. In summary, the available evidence is currently insufficient to determine the role of this variant in disease. Therefore, it has been classified as a Variant of Uncertain Significance.